The following is an entry in ClinVar:

NM_022113.6(KIF13A):c.717+8A>G

Gene: KIF13A (kinesin family member 13A; minus strand). Cytogenetic location: 6p22.3.
Variant type: single nucleotide variant.
Coding change: c.717+8A>G on transcript NM_022113.6 (MANE Select); 8 bases into the intron after coding-DNA position 717, A replaced by G.
Molecular consequence: intron variant.
Genome position (GRCh38, 1-based): chr6:17,850,315, T>C on the plus strand (A>G on the coding strand, the complement: KIF13A is on the minus strand). VCF-style: chr6-17850315-T-C. GRCh37 (hg19) VCF-style: chr6-17850546-T-C.
Other names: c.717+8A>G (NM_001105568.4, NM_001105567.3, NM_001105566.3).
Identifiers: ClinVar variation 2656262 (VCV002656262.24), dbSNP rs199777094, ClinGen allele CA3649572.

ClinVar aggregate classification (germline): Likely benign (1 of 4 stars; one submission).

Allele frequency attached by ClinVar (database versions not stated): ESP Exome Variant Server 0.00017; 1000 Genomes Project 0.00020; gnomAD 0.00021; TOPMed 0.00033; gnomAD exomes 0.00003; ExAC 0.00005; 1000 Genomes Project 30x 0.00016.
gnomAD v4.1: 77 of 1,609,868 alleles (0.0048%); highest among the groups gnomAD compares: African/African-American, 0.092%; no homozygotes.

Submission:

CeGaT Center for Human Genetics Tuebingen
Classification: Likely benign. Last evaluated: 2022-04-01. Review status: criteria provided, single submitter. Criteria: CeGaT Center For Human Genetics Tuebingen Variant Classification Criteria Version 2. Collection method: clinical testing. Allele origin: germline. Affected: yes. Observed: 1 variant allele.
Comment: KIF13A: BP4